The following is an entry in ClinVar:

NM_020365.5(EIF2B3):c.45G>A (p.Arg15=)

Gene: EIF2B3 (eukaryotic translation initiation factor 2B subunit gamma; minus strand). Cytogenetic location: 1p34.1.
Variant type: single nucleotide variant.
Coding change: c.45G>A on transcript NM_020365.5 (MANE Select); coding-DNA position 45, G replaced by A.
Protein change: p.Arg15=; no amino-acid change (arginine 15 retained).
Molecular consequence: synonymous variant.
Genome position (GRCh38, 1-based): chr1:44,981,124, C>T on the plus strand (G>A on the coding strand, the complement: EIF2B3 is on the minus strand). VCF-style: chr1-44981124-C-T. GRCh37 (hg19) VCF-style: chr1-45446796-C-T.
Other names: c.45G>A, p.Arg15= (NM_001166588.3, NM_001261418.2).
Identifiers: ClinVar variation 744270 (VCV000744270.47), dbSNP rs539080262, ClinGen allele CA824113.
Genomic context (GRCh38, chr1:44,981,124, plus strand): 5'-TAAAGGTTTGTTCCCAACTGGAAGCAGAGGTTTGGGAATGCTGGAAGTTAGGTCTGTCAT[C>T]CGAGATCCTCCACCTACTGCCATCACTACTGCTTGAAATTCCATTTTTACAAACTGCAAG-3'
Protein context (NP_065098.1, residues 5-25): AVVMAVGGGS[Arg15=]MTDLTSSIPK

ClinVar aggregate classification (germline): Likely benign. Review status: criteria provided, multiple submitters, no conflicts (2 of 4 stars). 3 submissions from 3 submitters: Likely benign (3). Last evaluated 2026-01-20.

Allele frequency attached by ClinVar (database versions not stated): gnomAD 0.00005 and 0.00006; TOPMed 0.00005; ExAC 0.00007; gnomAD exomes 0.00009 and 0.00013; 1000 Genomes Project 30x 0.00016; 1000 Genomes Project 0.00020.
gnomAD v4.1: 139 of 1,612,804 alleles (0.0086%); highest among the groups gnomAD compares: South Asian, 0.042%; 1 homozygote.

Submissions (3):

Labcorp Genetics (formerly Invitae), Labcorp
Classification: Likely benign. Last evaluated: 2026-01-20. Review status: criteria provided, single submitter. Criteria: Invitae Variant Classification Sherloc (09022015). Collection method: clinical testing. Allele origin: germline.

Blueprint Genetics
Classification: Likely benign. Last evaluated: 2024-11-04. Review status: criteria provided, single submitter. Criteria: ACMG Guidelines, 2015. Collection method: clinical testing. Allele origin: germline.

CeGaT Center for Human Genetics Tuebingen
Classification: Likely benign. Last evaluated: 2024-10-01. Review status: criteria provided, single submitter. Criteria: CeGaT Center For Human Genetics Tuebingen Variant Classification Criteria Version 2. Collection method: clinical testing. Allele origin: germline. Affected: yes. Observed: 5 variant alleles.
Comment: EIF2B3: BP4, BP7